The following is an entry in ClinVar:

ClinVar aggregate classification (germline): Uncertain significance. Review status: criteria provided, single submitter (1 of 4 stars). 2 submissions from 2 submitters: Uncertain significance (1). 1 of the submissions does not count toward it. Last evaluated 2022-03-27.

Conditions:
Fanconi anemia (FA). Also called: Fanconi's anemia. Identifiers: Orphanet 84, MedGen C0015625, MeSH D005199, MONDO:0019391.
Fanconi anemia complementation group A (FANCA). Also called: Fanconi anemia, group A; FANCA-Related Fanconi Anemia. Identifiers: Orphanet 84, MedGen C3469521, MONDO:0009215, OMIM 227650.

Submissions (2):

Labcorp Genetics (formerly Invitae), Labcorp
Classification: Uncertain significance for Fanconi anemia. Last evaluated: 2022-03-27. Review status: criteria provided, single submitter. Criteria: Invitae Variant Classification Sherloc (09022015). Collection method: clinical testing. Allele origin: germline.
Comment: This variant is present in population databases (no rsID available, gnomAD 0.01%). This variant, c.3359_3361del, results in the deletion of 1 amino acid(s) of the FANCA protein (p.Cys1120del), but otherwise preserves the integrity of the reading frame. This variant has not been reported in the literature in individuals affected with FANCA-related conditions. In summary, the available evidence is currently insufficient to determine the role of this variant in disease. Therefore, it has been classified as a Variant of Uncertain Significance. Experimental studies and prediction algorithms are not available or were not evaluated, and the functional significance of this variant is currently unknown. ClinVar contains an entry for this variant (Variation ID: 552207).

Counsyl
Classification: Uncertain significance for Fanconi anemia complementation group A. Last evaluated: 2017-05-30. Review status: no assertion criteria provided. Collection method: clinical testing. Allele origin: unknown. Not counted in ClinVar's aggregate classification.

NM_000135.4(FANCA):c.3359_3361del (p.Cys1120del)

Gene: FANCA (FA complementation group A; minus strand). Cytogenetic location: 16q24.3.
Variant type: Deletion.
Coding change: c.3359_3361del on transcript NM_000135.4 (MANE Select); coding-DNA positions 3359 to 3361, 3 bases deleted (GCT; older notation c.3359_3361delGCT).
Protein change: p.Cys1120del; deletes cysteine 1120.
Molecular consequence: inframe deletion.
Genome position (GRCh38, 1-based): chr16:89,746,878-89,746,880, AGC deleted on the plus strand (GCT on the coding strand, the reverse complement: FANCA is on the minus strand); deleting any 3 consecutive bases within chr16:89,746,878-89,746,882 gives the same sequence; the c. name uses the placement nearest the transcript's 3' end. VCF-style (leftmost placement, unchanged base first): chr16-89746877-GAGC-G. GRCh37 (hg19) VCF-style: chr16-89813285-GAGC-G.
Other names: c.3359_3361del (LRG_495t1); c.3359_3361del, p.Cys1120del (NM_001286167.3); short protein forms C1120del.
Identifiers: ClinVar variation 552207 (VCV000552207.6), dbSNP rs1314042335, ClinGen allele CA624280309.